The following is an entry in ClinVar:

NC_000008.10:g.(?_42958672)_(42978040_?)dup

Gene: POMK (protein O-mannose kinase; plus strand). Cytogenetic location: 8p11.21.
Variant type: Duplication.
Identifiers: ClinVar variation 474186 (VCV000474186.3).

ClinVar aggregate classification (germline): Uncertain significance (1 of 4 stars; one submission).

Conditions:
Limb-girdle muscular dystrophy due to POMK deficiency. Also called: MUSCULAR DYSTROPHY-DYSTROGLYCANOPATHY, LIMB-GIRDLE, POMK-RELATED; Muscular dystrophy-dystroglycanopathy (limb-girdle), type c, 12. Identifiers: Orphanet 445110, MedGen C4015184, MONDO:0014489, OMIM 616094.
Muscular dystrophy-dystroglycanopathy (congenital with brain and eye anomalies), type a, 12 (MDDGA12). Also called: WALKER-WARBURG SYNDROME OR MUSCLE-EYE-BRAIN DISEASE, POMK-RELATED. Identifiers: Orphanet 899, MedGen C3808964, MONDO:0014101, OMIM 615249.

Submission:

Labcorp Genetics (formerly Invitae), Labcorp
Classification: Uncertain significance for Muscular dystrophy-dystroglycanopathy (congenital with brain and eye anomalies), type a, 12; Muscular dystrophy-dystroglycanopathy (limb-girdle), type c, 12. Last evaluated: 2019-11-13. Review status: criteria provided, single submitter. Criteria: Invitae Variant Classification Sherloc (09022015). Collection method: clinical testing. Allele origin: germline.
Comment: This variant results in a copy number gain of the genomic region encompassing the full coding sequence of the POMK gene. The boundaries of this event are unknown as they extend beyond the assayed region for this gene and therefore may encompass additional genes. As the precise location of this event is unknown, it may be in tandem or it may be located elsewhere in the genome. This variant has not been reported in the literature in individuals with POMK-related disease. Experimental studies are not available for this variant, and the functional significance of additional copies of this gene is currently unknown. In summary, the available evidence is currently insufficient to determine the role of this variant in disease. Therefore, it has been classified as a Variant of Uncertain Significance.